The following is an entry in ClinVar:

NM_001172509.2(SATB2):c.1787C>G (p.Pro596Arg)

Genes: SATB2 (SATB homeobox 2; minus strand), LOC126806462 (MED14-independent group 3 enhancer GRCh37_chr2:200136608-200137807; plus strand). Cytogenetic location: 2q33.1.
Variant type: single nucleotide variant.
Coding change: c.1787C>G on transcript NM_001172509.2 (MANE Select); coding-DNA position 1787, C replaced by G.
Protein change: p.Pro596Arg; replaces proline 596 with arginine.
Molecular consequence: missense variant.
Genome position (GRCh38, 1-based): chr2:199,272,626, G>C on the plus strand (C>G on the coding strand, the complement: SATB2 is on the minus strand). VCF-style: chr2-199272626-G-C. GRCh37 (hg19) VCF-style: chr2-200137349-G-C.
Other names: c.1787C>G, p.Pro596Arg (NM_001172517.1, NM_015265.4); short protein forms P596R.
Identifiers: ClinVar variation 3067608 (VCV003067608.21), dbSNP rs2468783756, ClinGen allele CA350386004.

ClinVar aggregate classification (germline): Uncertain significance (1 of 4 stars; one submission).

Allele frequency attached by ClinVar (database versions not stated): gnomAD exomes below 0.00001.
gnomAD v4.1: 4 of 1,614,050 alleles (0.00025%); highest among the groups gnomAD compares: Non-Finnish European, 0.00034%; no homozygotes.

Submission:

CeGaT Center for Human Genetics Tuebingen
Classification: Uncertain significance. Last evaluated: 2024-03-01. Review status: criteria provided, single submitter. Criteria: CeGaT Center For Human Genetics Tuebingen Variant Classification Criteria Version 2. Collection method: clinical testing. Allele origin: germline. Affected: yes. Observed: 1 variant allele.
Comment: SATB2: PM2